The following is an entry in ClinVar:

ClinVar aggregate classification (germline): Likely benign. Review status: criteria provided, multiple submitters, no conflicts (2 of 4 stars). 3 submissions from 3 submitters: Likely benign (2). 1 of the submissions does not count toward it. Last evaluated 2025-03-29.

Conditions:
HERC1-related disorder. Also called: HERC1-related condition.

Allele frequency attached by ClinVar (database versions not stated): gnomAD exomes 0.00003; ExAC 0.00006; TOPMed 0.00008; 1000 Genomes Project 30x 0.00031; 1000 Genomes Project 0.00040.
gnomAD v4.1: 38 of 1,613,872 alleles (0.0024%); highest among the groups gnomAD compares: Middle Eastern, 0.066%; 1 homozygote.

Submissions (3):

Labcorp Genetics (formerly Invitae), Labcorp
Classification: Likely benign. Last evaluated: 2025-03-29. Review status: criteria provided, single submitter. Criteria: Invitae Variant Classification Sherloc (09022015). Collection method: clinical testing. Allele origin: germline.

Genetic Services Laboratory, University of Chicago
Classification: Likely benign. Last evaluated: 2020-09-14. Review status: criteria provided, single submitter. Criteria: ACMG Guidelines, 2015. Collection method: clinical testing. Allele origin: germline. Affected: no.

PreventionGenetics, part of Exact Sciences
Classification: Likely benign for HERC1-related condition. Last evaluated: 2024-06-22. Review status: no assertion criteria provided. Collection method: clinical testing. Allele origin: germline. Not counted in ClinVar's aggregate classification.
Comment: This variant is classified as likely benign based on ACMG/AMP sequence variant interpretation guidelines (Richards et al. 2015 PMID: 25741868, with internal and published modifications).

NM_003922.4(HERC1):c.3258C>G (p.Leu1086=)

Gene: HERC1 (HECT and RLD domain containing E3 ubiquitin protein ligase family member 1; minus strand). Cytogenetic location: 15q22.31.
Variant type: single nucleotide variant.
Coding change: c.3258C>G on transcript NM_003922.4 (MANE Select); coding-DNA position 3258, C replaced by G.
Protein change: p.Leu1086=; no amino-acid change (leucine 1086 retained).
Molecular consequence: synonymous variant.
Genome position (GRCh38, 1-based): chr15:63,727,735, G>C on the plus strand (C>G on the coding strand, the complement: HERC1 is on the minus strand). VCF-style: chr15-63727735-G-C. GRCh37 (hg19) VCF-style: chr15-64019934-G-C.
Identifiers: ClinVar variation 752523 (VCV000752523.10), dbSNP rs530606514, ClinGen allele CA7606086.